The following is an entry in ClinVar:

NM_002971.6(SATB1):c.115C>T (p.Pro39Ser)

Gene: SATB1 (SATB homeobox 1; minus strand). Cytogenetic location: 3p24.3.
Variant type: single nucleotide variant.
Coding change: c.115C>T on transcript NM_002971.6 (MANE Select); coding-DNA position 115, C replaced by T.
Protein change: p.Pro39Ser; replaces proline 39 with serine.
Molecular consequence: missense variant. On other transcripts: intron variant (1).
Genome position (GRCh38, 1-based): chr3:18,420,853, G>A on the plus strand (C>T on the coding strand, the complement: SATB1 is on the minus strand). VCF-style: chr3-18420853-G-A. GRCh37 (hg19) VCF-style: chr3-18462345-G-A.
Other names: c.115C>T, p.Pro39Ser (NM_001131010.4, NM_001195470.3, NM_001322871.2 and 4 more transcripts); c.-5-3775C>T (NM_001322876.2); short protein forms P39S.
Identifiers: ClinVar variation 3381640 (VCV003381640.1).

ClinVar aggregate classification (germline): Uncertain significance (1 of 4 stars; one submission).

Submission:

GeneDx
Classification: Uncertain significance. Last evaluated: 2024-05-23. Review status: criteria provided, single submitter. Criteria: GeneDx Variant Classification Process June 2021. Collection method: clinical testing. Allele origin: germline. Affected: yes.
Comment: Not observed at significant frequency in large population cohorts (gnomAD); In silico analysis supports that this missense variant has a deleterious effect on protein structure/function; Has not been previously published as pathogenic or benign to our knowledge